The following is an entry in ClinVar:

NM_001365276.2(TNXB):c.5555G>A (p.Arg1852His)

Gene: TNXB (tenascin XB; minus strand). Cytogenetic location: 6p21.33.
Variant type: single nucleotide variant.
Coding change: c.5555G>A on transcript NM_001365276.2 (MANE Select); coding-DNA position 5555, G replaced by A.
Protein change: p.Arg1852His; replaces arginine 1852 with histidine.
Molecular consequence: missense variant.
Genome position (GRCh38, 1-based): chr6:32,069,585, C>T on the plus strand (G>A on the coding strand, the complement: TNXB is on the minus strand). VCF-style: chr6-32069585-C-T. GRCh37 (hg19) VCF-style: chr6-32037362-C-T.
Other names: c.6296G>A, p.Arg2099His (NM_001428335.1); c.5555G>A, p.Arg1852His (NM_019105.8); short protein forms R1852H, R2099H.
Identifiers: ClinVar variation 3227291 (VCV003227291.1), dbSNP rs775167267, ClinGen allele CA3734678.

ClinVar aggregate classification (germline): Uncertain significance (1 of 4 stars; one submission).

Conditions:
Cardiovascular phenotype. Identifiers: MedGen CN230736.

gnomAD v4.1: 14 of 1,592,480 alleles (0.00088%); highest among the groups gnomAD compares: South Asian, 0.0022%; no homozygotes.

Submission:

Ambry Genetics
Classification: Uncertain significance for Cardiovascular phenotype. Last evaluated: 2023-10-02. Review status: criteria provided, single submitter. Criteria: Ambry Variant Classification Scheme 2023. Collection method: clinical testing. Allele origin: germline.
Comment: The p.R1852H variant (also known as c.5555G>A), located in coding exon 14 of the TNXB gene, results from a G to A substitution at nucleotide position 5555. The arginine at codon 1852 is replaced by histidine, an amino acid with highly similar properties. This amino acid position is conserved. In addition, this alteration is predicted to be tolerated by in silico analysis. Since supporting evidence is limited at this time, the clinical significance of this alteration remains unclear.